The following is an entry in ClinVar:

ClinVar aggregate classification (germline): Uncertain significance (1 of 4 stars; one submission).

Conditions:
Multiple congenital exostosis (EXT). Also called: Multiple osteochondromas; Hereditary multiple osteochondromas; Multiple exostoses; Hereditary multiple exostoses; Hereditary multiple exostosis; MULTIPLE CARTILAGINOUS EXOSTOSES. Identifiers: Orphanet 321, MedGen C0015306, MONDO:0005508, HP:0002762.

Submission:

Labcorp Genetics (formerly Invitae), Labcorp
Classification: Uncertain significance for Multiple congenital exostosis. Last evaluated: 2023-05-11. Review status: criteria provided, single submitter. Criteria: Invitae Variant Classification Sherloc (09022015). Collection method: clinical testing. Allele origin: germline.
Comment: This sequence change replaces methionine, which is neutral and non-polar, with valine, which is neutral and non-polar, at codon 618 of the EXT1 protein (p.Met618Val). Advanced modeling of protein sequence and biophysical properties (such as structural, functional, and spatial information, amino acid conservation, physicochemical variation, residue mobility, and thermodynamic stability) performed at Invitae indicates that this missense variant is not expected to disrupt EXT1 protein function. This variant is not present in population databases (gnomAD no frequency). This variant has not been reported in the literature in individuals affected with EXT1-related conditions. ClinVar contains an entry for this variant (Variation ID: 1980658). In summary, the available evidence is currently insufficient to determine the role of this variant in disease. Therefore, it has been classified as a Variant of Uncertain Significance.

NM_000127.3(EXT1):c.1852A>G (p.Met618Val)

Gene: EXT1 (exostosin glycosyltransferase 1; minus strand). Cytogenetic location: 8q24.11.
Variant type: single nucleotide variant.
Coding change: c.1852A>G on transcript NM_000127.3 (MANE Select); coding-DNA position 1852, A replaced by G.
Protein change: p.Met618Val; replaces methionine 618 with valine.
Molecular consequence: missense variant.
Genome position (GRCh38, 1-based): chr8:117,807,248, T>C on the plus strand (A>G on the coding strand, the complement: EXT1 is on the minus strand). VCF-style: chr8-117807248-T-C. GRCh37 (hg19) VCF-style: chr8-118819487-T-C.
Other names: short protein forms M618V.
Identifiers: ClinVar variation 1980658 (VCV001980658.4), dbSNP rs2488089116, ClinGen allele CA371878000.